The following is an entry in ClinVar:

ClinVar aggregate classification (germline): Uncertain significance (1 of 4 stars; one submission).

Conditions:
Neuromuscular disease caused by qualitative or quantitative defects of dysferlin. Also called: Dysferlinopathy; Qualitative or quantitative defects of dysferlin. Identifiers: Orphanet 207073, MedGen C2931687, MONDO:0016145.

Submission:

Labcorp Genetics (formerly Invitae), Labcorp
Classification: Uncertain significance for Neuromuscular disease caused by qualitative or quantitative defects of dysferlin. Last evaluated: 2020-10-06. Review status: criteria provided, single submitter. Criteria: Invitae Variant Classification Sherloc (09022015). Collection method: clinical testing. Allele origin: germline.
Comment: This sequence change replaces threonine with arginine at codon 833 of the DYSF protein (p.Thr833Arg). The threonine residue is moderately conserved and there is a moderate physicochemical difference between threonine and arginine. This variant is not present in population databases (ExAC no frequency). This variant has not been reported in the literature in individuals with DYSF-related conditions. Advanced modeling of protein sequence and biophysical properties (such as structural, functional, and spatial information, amino acid conservation, physicochemical variation, residue mobility, and thermodynamic stability) performed at Invitae indicates that this missense variant is expected to disrupt DYSF protein function. In summary, the available evidence is currently insufficient to determine the role of this variant in disease. Therefore, it has been classified as a Variant of Uncertain Significance.

NM_001130987.2(DYSF):c.2552C>G (p.Thr851Arg)

Gene: DYSF (dysferlin; plus strand). Cytogenetic location: 2p13.2.
Variant type: single nucleotide variant.
Coding change: c.2552C>G on transcript NM_001130987.2 (MANE Select); coding-DNA position 2552, C replaced by G.
Protein change: p.Thr851Arg; replaces threonine 851 with arginine.
Molecular consequence: missense variant.
Genome position (GRCh38, 1-based): chr2:71,564,200, C>G. VCF-style: chr2-71564200-C-G. GRCh37 (hg19) VCF-style: chr2-71791330-C-G.
Other names: c.2501C>G, p.Thr834Arg (NM_001130455.2, NM_001130983.2); c.2456C>G, p.Thr819Arg (NM_001130976.2, NM_001130977.2); c.2498C>G, p.Thr833Arg (NM_001130978.2, NM_003494.4); c.2591C>G, p.Thr864Arg (NM_001130979.2); c.2549C>G, p.Thr850Arg (NM_001130980.2, NM_001130981.2); c.2594C>G, p.Thr865Arg (NM_001130982.2); c.2459C>G, p.Thr820Arg (NM_001130984.2, NM_001130986.2); c.2552C>G, p.Thr851Arg (NM_001130985.2); short protein forms T819R, T864R, T834R, T850R, T851R, T865R, T820R, T833R.
Identifiers: ClinVar variation 1897833 (VCV001897833.2), dbSNP rs2545770502, ClinGen allele CA347211833.